The following is an entry in ClinVar:

ClinVar aggregate classification (germline): Likely benign (0 of 4 stars; one submission).

Conditions:
PLXNA1-related disorder. Also called: PLXNA1-related condition.

gnomAD v4.1: 20 of 1,613,236 alleles (0.0012%); highest among the groups gnomAD compares: African/African-American, 0.008%; no homozygotes.

Submission:

PreventionGenetics, part of Exact Sciences
Classification: Likely benign for PLXNA1-related condition. Last evaluated: 2023-02-27. Review status: no assertion criteria provided. Collection method: clinical testing. Allele origin: germline.
Comment: This variant is classified as likely benign based on ACMG/AMP sequence variant interpretation guidelines (Richards et al. 2015 PMID: 25741868, with internal and published modifications).

NM_032242.4(PLXNA1):c.2410+10C>T

Gene: PLXNA1 (plexin A1; plus strand). Cytogenetic location: 3q21.3.
Variant type: single nucleotide variant.
Coding change: c.2410+10C>T on transcript NM_032242.4 (MANE Select); 10 bases into the intron after coding-DNA position 2410, C replaced by T.
Molecular consequence: intron variant.
Genome position (GRCh38, 1-based): chr3:127,014,126, C>T. VCF-style: chr3-127014126-C-T. GRCh37 (hg19) VCF-style: chr3-126732969-C-T.
Identifiers: ClinVar variation 3355661 (VCV003355661.1).
Genomic context (GRCh38, chr3:127,014,126, plus strand): 5'-CAGTCGTGTGGAACGGCAACTTTGTCATTGACAACCCACAGAACATCCAGGGTGAGTGGG[C>T]GCCCCGGCGGGGTGGGCAGTGGGCGGGCCCGAGCTGACCGCACCCCTCCCCACAGCGCAC-3'